The following is an entry in ClinVar:

ClinVar aggregate classification (germline): Uncertain significance (1 of 4 stars; one submission).

Conditions:
Cardiovascular phenotype. Identifiers: MedGen CN230736.

Allele frequency attached by ClinVar (database versions not stated): gnomAD exomes 0.00001.
gnomAD v4.1: 9 of 1,612,478 alleles (0.00056%); highest among the groups gnomAD compares: Non-Finnish European, 0.00076%; no homozygotes.

Submission:

Ambry Genetics
Classification: Uncertain significance for Cardiovascular phenotype. Last evaluated: 2022-03-12. Review status: criteria provided, single submitter. Criteria: Ambry Variant Classification Scheme 2023. Collection method: clinical testing. Allele origin: germline.
Comment: The p.I793V variant (also known as c.2377A>G), located in coding exon 8 of the AKAP9 gene, results from an A to G substitution at nucleotide position 2377. The isoleucine at codon 793 is replaced by valine, an amino acid with highly similar properties. This amino acid position is conserved. In addition, this alteration is predicted to be tolerated by in silico analysis. Since supporting evidence is limited at this time, the clinical significance of this alteration remains unclear.

NM_005751.5(AKAP9):c.2377A>G (p.Ile793Val)

Gene: AKAP9 (A-kinase anchoring protein 9; plus strand). Cytogenetic location: 7q21.2.
Variant type: single nucleotide variant.
Coding change: c.2377A>G on transcript NM_005751.5 (MANE Select); coding-DNA position 2377, A replaced by G.
Protein change: p.Ile793Val; replaces isoleucine 793 with valine.
Molecular consequence: missense variant.
Genome position (GRCh38, 1-based): chr7:92,002,294, A>G. VCF-style: chr7-92002294-A-G. GRCh37 (hg19) VCF-style: chr7-91631608-A-G.
Other names: c.2377A>G, p.Ile793Val (NM_147185.3); short protein forms I793V.
Identifiers: ClinVar variation 1790372 (VCV001790372.2), dbSNP rs1375321033, ClinGen allele CA368123978.